The following is an entry in ClinVar:

ClinVar aggregate classification (germline): Uncertain significance (1 of 4 stars; one submission).

gnomAD v4.1: 1 of 1,613,972 alleles (0.000062%); highest among the groups gnomAD compares: Non-Finnish European, 0.000085%; no homozygotes.

Submission:

Labcorp Genetics (formerly Invitae), Labcorp
Classification: Uncertain significance. Last evaluated: 2024-09-12. Review status: criteria provided, single submitter. Criteria: Invitae Variant Classification Sherloc (09022015). Collection method: clinical testing. Allele origin: germline.
Comment: This sequence change replaces aspartic acid, which is acidic and polar, with asparagine, which is neutral and polar, at codon 634 of the ZCCHC8 protein (p.Asp634Asn). This variant is not present in population databases (gnomAD no frequency). This variant has not been reported in the literature in individuals affected with ZCCHC8-related conditions. Invitae Evidence Modeling of protein sequence and biophysical properties (such as structural, functional, and spatial information, amino acid conservation, physicochemical variation, residue mobility, and thermodynamic stability) indicates that this missense variant is not expected to disrupt ZCCHC8 protein function with a negative predictive value of 80%. In summary, the available evidence is currently insufficient to determine the role of this variant in disease. Therefore, it has been classified as a Variant of Uncertain Significance.

NM_017612.5(ZCCHC8):c.1900G>A (p.Asp634Asn)

Gene: ZCCHC8 (zinc finger CCHC-type containing 8; minus strand). Cytogenetic location: 12q24.31.
Variant type: single nucleotide variant.
Coding change: c.1900G>A on transcript NM_017612.5 (MANE Select); coding-DNA position 1900, G replaced by A.
Protein change: p.Asp634Asn; replaces aspartic acid 634 with asparagine.
Molecular consequence: missense variant.
Genome position (GRCh38, 1-based): chr12:122,473,721, C>T on the plus strand (G>A on the coding strand, the complement: ZCCHC8 is on the minus strand). VCF-style: chr12-122473721-C-T. GRCh37 (hg19) VCF-style: chr12-122958268-C-T.
Other names: c.1669G>A, p.Asp557Asn (NM_001350935.2); c.1603G>A, p.Asp535Asn (NM_001350936.2); c.1186G>A, p.Asp396Asn (NM_001350937.2, NM_001350938.2); short protein forms D396N, D535N, D557N, D634N.
Identifiers: ClinVar variation 3623839 (VCV003623839.2).